The following is an entry in ClinVar:

ClinVar aggregate classification (germline): Uncertain significance. Review status: criteria provided, multiple submitters, no conflicts (2 of 4 stars). 4 submissions from 4 submitters: Uncertain significance (3). 1 of the submissions does not count toward it. Last evaluated 2025-04-14.

Conditions:
Generalized epilepsy with febrile seizures plus, type 2 (GEFSP2). Also called: GEFS+, TYPE 2. Identifiers: Orphanet 36387, MedGen C1858673, MONDO:0011461, OMIM 604403.
Seizure. Also called: Seizures. Identifiers: MedGen C0036572, HP:0001250.

Allele frequency attached by ClinVar (database versions not stated): gnomAD exomes below 0.00001.
gnomAD v4.1: 1 of 1,613,852 alleles (0.000062%); highest among the groups gnomAD compares: Non-Finnish European, 0.000085%; no homozygotes.

Submissions (4):

Institute of Human Genetics, University of Leipzig Medical Center
Classification: Uncertain significance for Generalized epilepsy with febrile seizures plus, type 2. Last evaluated: 2025-04-14. Review status: criteria provided, single submitter. Criteria: ACMG Guidelines, 2015. Collection method: clinical testing. Allele origin: unknown. Inheritance: Autosomal dominant inheritance. Affected: yes.
Comment: Criteria applied: PM2_SUP,PP3

Clinical Genetics Laboratory, Skane University Hospital Lund
Classification: Uncertain significance. Last evaluated: 2024-01-23. Review status: criteria provided, single submitter. Criteria: ACMG Guidelines, 2015. Collection method: clinical testing. Allele origin: germline. Affected: yes.

CeGaT Center for Human Genetics Tuebingen
Classification: Uncertain significance. Last evaluated: 2019-11-01. Review status: criteria provided, single submitter. Criteria: CeGaT Center For Human Genetics Tuebingen Variant Classification Criteria Version 2. Collection method: clinical testing. Allele origin: germline. Affected: yes. Observed: 1 variant allele.

Diagnostic Laboratory, Strasbourg University Hospital
Classification: Uncertain significance for Seizure. Review status: no assertion criteria provided. Collection method: clinical testing. Allele origin: paternal. Affected: yes. Observed: 1 heterozygote. Not counted in ClinVar's aggregate classification.

NM_001165963.4(SCN1A):c.5691T>G (p.Asn1897Lys)

Genes: SCN1A (sodium voltage-gated channel alpha subunit 1; minus strand), LOC102724058 (uncharacterized LOC102724058; plus strand). Cytogenetic location: 2q24.3.
Variant type: single nucleotide variant.
Coding change: c.5691T>G on transcript NM_001165963.4 (MANE Select); coding-DNA position 5691, T replaced by G.
Protein change: p.Asn1897Lys; replaces asparagine 1897 with lysine.
Molecular consequence: missense variant. On other transcripts: non-coding transcript variant (1).
Genome position (GRCh38, 1-based): chr2:165,991,584, A>C on the plus strand (T>G on the coding strand, the complement: SCN1A is on the minus strand). VCF-style: chr2-165991584-A-C. GRCh37 (hg19) VCF-style: chr2-166848094-A-C.
Other names: c.5607T>G, p.Asn1869Lys (NM_001165964.3, NM_001353957.2, NM_001353958.2); c.5691T>G, p.Asn1897Lys (NM_001202435.3, NM_001353948.2); c.5658T>G, p.Asn1886Lys (NM_001353949.2, NM_001353950.2, NM_001353951.2 and 2 more transcripts); c.5655T>G, p.Asn1885Lys (NM_001353954.2, NM_001353955.2); c.5604T>G, p.Asn1868Lys (NM_001353960.2); c.3249T>G, p.Asn1083Lys (NM_001353961.2); short protein forms N1083K, N1886K, N1885K, N1868K, N1869K, N1897K.
Identifiers: ClinVar variation 870749 (VCV000870749.44), dbSNP rs1689157351, ClinGen allele CA349064721.